The following is an entry in ClinVar:

NM_003073.5(SMARCB1):c.93+6C>T

Gene: SMARCB1 (SWI/SNF related BAF chromatin remodeling complex subunit B1; plus strand). Cytogenetic location: 22q11.23.
Variant type: single nucleotide variant.
Coding change: c.93+6C>T on transcript NM_003073.5 (MANE Select); 6 bases into the intron after coding-DNA position 93, C replaced by T.
Molecular consequence: intron variant.
Genome position (GRCh38, 1-based): chr22:23,787,268, C>T. VCF-style: chr22-23787268-C-T. GRCh37 (hg19) VCF-style: chr22-24129455-C-T.
Other names: c.93+6C>T (NM_001362877.2, NM_001317946.2, NM_001007468.3).
Identifiers: ClinVar variation 1391284 (VCV001391284.6), dbSNP rs1928049977, ClinGen allele CA2397958253.

ClinVar aggregate classification (germline): Uncertain significance (1 of 4 stars; one submission).

Allele frequency attached by ClinVar (database versions not stated): TOPMed below 0.00001.

Submission:

Labcorp Genetics (formerly Invitae), Labcorp
Classification: Uncertain significance. Last evaluated: 2021-02-11. Review status: criteria provided, single submitter. Criteria: Invitae Variant Classification Sherloc (09022015). Collection method: clinical testing. Allele origin: germline.
Comment: Nucleotide substitutions within the consensus splice site are a relatively common cause of aberrant splicing (PMID: 17576681, 9536098). Algorithms developed to predict the effect of sequence changes on RNA splicing suggest that this variant is not likely to affect RNA splicing, but this prediction has not been confirmed by published transcriptional studies. In summary, the available evidence is currently insufficient to determine the role of this variant in disease. Therefore, it has been classified as a Variant of Uncertain Significance. This variant has not been reported in the literature in individuals with SMARCB1-related conditions. This variant is not present in population databases (ExAC no frequency). This sequence change falls in intron 1 of the SMARCB1 gene. It does not directly change the encoded amino acid sequence of the SMARCB1 protein. It affects a nucleotide within the consensus splice site of the intron.

Literature cited by the submitters: PubMed 17576681; PubMed 9536098.